The following is an entry in ClinVar:

NM_007294.4(BRCA1):c.3726dup (p.Arg1243Ter)

Genes: BRCA1 (BRCA1 DNA repair associated; minus strand), LOC126862571 (BRD4-independent group 4 enhancer GRCh37_chr17:41243136-41244335; plus strand). Cytogenetic location: 17q21.31.
Variant type: Duplication.
Coding change: c.3726dup on transcript NM_007294.4 (MANE Select); coding-DNA position 3726, one base duplicated (T; older notation c.3726dupT).
Protein change: p.Arg1243Ter; replaces arginine 1243 with a stop codon.
Molecular consequence: nonsense. On other transcripts: frameshift variant (1), intron variant (135).
Genome position (GRCh38, 1-based): chr17:43,091,805, A duplicated on the plus strand (T on the coding strand, the reverse complement: BRCA1 is on the minus strand). VCF-style (leftmost placement, unchanged base first): chr17-43091804-T-TA. GRCh37 (hg19) VCF-style: chr17-41243821-T-TA.
Other names: c.3726dupT (NM_007294.3); c.3513dup, p.Arg1172Ter (NM_001407571.1, NM_001407853.1, NM_001407894.1 and 9 more transcripts); c.3726dup, p.Arg1243Ter (NM_001407581.1, NM_001407582.1, NM_001407583.1 and 30 more transcripts); c.3723dup, p.Arg1242Ter (NM_001407587.1, NM_001407590.1, NM_001407591.1 and 22 more transcripts); c.3717dup, p.Arg1240Ter (NM_001407646.1, NM_001407647.1); c.3603dup, p.Arg1202Ter (NM_001407648.1, NM_001407664.1, NM_001407665.1 and 19 more transcripts); c.3600dup, p.Arg1201Ter (NM_001407649.1, NM_001407670.1, NM_001407671.1 and 11 more transcripts); c.3648dup, p.Arg1217Ter (NM_001407653.1, NM_001407654.1, NM_001407655.1 and 4 more transcripts); and 42 more; short protein forms R1196*, R1243*, R1132*, R1173*, R1202*, R1240*, R1175*, R1176*.
Identifiers: ClinVar variation 567094 (VCV000567094.8), dbSNP rs1567790420, ClinGen allele CA891843725.
Genomic context (GRCh38, chr17:43,091,804, plus strand): 5'-ATGATAATAAATTCTCCTCTGTGTTCTTAGACAGACACTCGGTAGCAACGGTGCTATGCC[T>TA]AGTAGACTGAGAAGGTATATTGTTTACTTTACCAAATAACAAGTGTTGGAAGCAGGGAAG-3'

ClinVar aggregate classification (germline): Pathogenic (1 of 4 stars; one submission).

Conditions:
Hereditary breast ovarian cancer syndrome. Also called: Hereditary breast and ovarian cancer syndrome (HBOC); Hereditary breast and ovarian cancer; Hereditary breast and/or ovarian cancer syndrome; Hereditary breast and ovarian cancer syndrome; Breast and ovarian cancer; BRCA1- and BRCA2-Associated Hereditary Breast and Ovarian Cancer. Identifiers: Orphanet 145, MedGen C0677776, MeSH D061325, MONDO:0003582. Disease mechanism: loss of function.

Submission:

Labcorp Genetics (formerly Invitae), Labcorp
Classification: Pathogenic for Hereditary breast ovarian cancer syndrome. Last evaluated: 2018-05-06. Review status: criteria provided, single submitter. Criteria: Invitae Variant Classification Sherloc (09022015). Collection method: clinical testing. Allele origin: germline.
Comment: For these reasons, this variant has been classified as Pathogenic. Loss-of-function variants in BRCA1 are known to be pathogenic (PMID: 20104584). This variant has not been reported in the literature in individuals with BRCA1-related disease. This variant is not present in population databases (ExAC no frequency). This sequence change creates a premature translational stop signal (p.Arg1243*) in the BRCA1 gene. It is expected to result in an absent or disrupted protein product.

Literature cited by the submitters: PubMed 20104584.